The following is an entry in ClinVar:

ClinVar aggregate classification (germline): Uncertain significance. Review status: criteria provided, multiple submitters, no conflicts (2 of 4 stars). 3 submissions from 3 submitters: Uncertain significance (3). Last evaluated 2023-06-17.

Conditions:
Familial thoracic aortic aneurysm and aortic dissection (TAAD). Also called: Thoracic aortic aneurysms and dissections. Identifiers: Orphanet 91387, MedGen C4707243, MONDO:0019625.
Aortic aneurysm, familial thoracic 4 (AAT4). Also called: AORTIC ANEURYSM/AORTIC DISSECTION AND PATENT DUCTUS ARTERIOSUS. Identifiers: MedGen C1851504, MONDO:0007568, OMIM 132900.

Allele frequency attached by ClinVar (database versions not stated): gnomAD 0.00001; TOPMed 0.00001; ExAC 0.00003.
gnomAD v4.1: 4 of 1,613,518 alleles (0.00025%); highest among the groups gnomAD compares: East Asian, 0.0089%; no homozygotes.

Submissions (3):

Labcorp Genetics (formerly Invitae), Labcorp
Classification: Uncertain significance for Aortic aneurysm, familial thoracic 4. Last evaluated: 2023-06-17. Review status: criteria provided, single submitter. Criteria: Invitae Variant Classification Sherloc (09022015). Collection method: clinical testing. Allele origin: germline.
Comment: In summary, the available evidence is currently insufficient to determine the role of this variant in disease. Therefore, it has been classified as a Variant of Uncertain Significance. Advanced modeling of protein sequence and biophysical properties (such as structural, functional, and spatial information, amino acid conservation, physicochemical variation, residue mobility, and thermodynamic stability) performed at Invitae indicates that this missense variant is not expected to disrupt MYH11 protein function. ClinVar contains an entry for this variant (Variation ID: 1745645). This variant has not been reported in the literature in individuals affected with MYH11-related conditions. This variant is present in population databases (rs775007509, gnomAD 0.04%). This sequence change replaces leucine, which is neutral and non-polar, with methionine, which is neutral and non-polar, at codon 1724 of the MYH11 protein (p.Leu1724Met).

Blueprint Genetics
Classification: Uncertain significance. Last evaluated: 2023-02-27. Review status: criteria provided, single submitter. Criteria: ACMG Guidelines, 2015. Collection method: clinical testing. Allele origin: germline.

Ambry Genetics
Classification: Uncertain significance for Familial thoracic aortic aneurysm and aortic dissection. Last evaluated: 2021-06-02. Review status: criteria provided, single submitter. Criteria: Ambry Variant Classification Scheme 2023. Collection method: clinical testing. Allele origin: germline.
Comment: The p.L1717M variant (also known as c.5149C>A), located in coding exon 35 of the MYH11 gene, results from a C to A substitution at nucleotide position 5149. The leucine at codon 1717 is replaced by methionine, an amino acid with highly similar properties. This amino acid position is highly conserved in available vertebrate species. In addition, this alteration is predicted to be tolerated by in silico analysis. Since supporting evidence is limited at this time, the clinical significance of this alteration remains unclear.

NM_002474.3(MYH11):c.5149C>A (p.Leu1717Met)

Genes: MYH11 (myosin heavy chain 11; minus strand), NDE1 (nudE neurodevelopment protein 1; plus strand). Cytogenetic location: 16p13.11.
Variant type: single nucleotide variant.
Coding change: c.5149C>A on transcript NM_002474.3 (MANE Select); coding-DNA position 5149, C replaced by A.
Protein change: p.Leu1717Met; replaces leucine 1717 with methionine.
Molecular consequence: missense variant. On other transcripts: intron variant (2).
Genome position (GRCh38, 1-based): chr16:15,719,242, G>T on the plus strand (C>A on the coding strand, the complement: MYH11 is on the minus strand). VCF-style: chr16-15719242-G-T. GRCh37 (hg19) VCF-style: chr16-15813099-G-T.
Other names: c.5170C>A, p.Leu1724Met (NM_001040113.2, NM_001040114.2); c.5149C>A, p.Leu1717Met (NM_022844.3); c.948-4949G>T (NM_001143979.2, NM_017668.3); short protein forms L1724M, L1717M.
Identifiers: ClinVar variation 1745645 (VCV001745645.4), dbSNP rs775007509, ClinGen allele CA7921407.